The following is an entry in ClinVar:

NM_172351.3(CD46):c.11C>T (p.Pro4Leu)

Genes: CD46 (CD46 molecule; plus strand), LOC129932405 (ATAC-STARR-seq lymphoblastoid active region 2449; plus strand). Cytogenetic location: 1q32.2.
Variant type: single nucleotide variant.
Coding change: c.11C>T on transcript NM_172351.3 (MANE Select); coding-DNA position 11, C replaced by T.
Protein change: p.Pro4Leu; replaces proline 4 with leucine.
Molecular consequence: missense variant.
Genome position (GRCh38, 1-based): chr1:207,752,223, C>T. VCF-style: chr1-207752223-C-T. GRCh37 (hg19) VCF-style: chr1-207925568-C-T.
Other names: c.11C>T, p.Pro4Leu (NM_002389.4, NM_153826.4, NM_172350.3 and 8 more transcripts); short protein forms P4L.
Identifiers: ClinVar variation 2090466 (VCV002090466.4), dbSNP rs375671974, ClinGen allele CA344547710.

ClinVar aggregate classification (germline): Uncertain significance (1 of 4 stars; one submission).

gnomAD v4.1: 5 of 1,613,970 alleles (0.00031%); highest among the groups gnomAD compares: Non-Finnish European, 0.00042%; no homozygotes.

Submission:

Labcorp Genetics (formerly Invitae), Labcorp
Classification: Uncertain significance. Last evaluated: 2022-01-27. Review status: criteria provided, single submitter. Criteria: Invitae Variant Classification Sherloc (09022015). Collection method: clinical testing. Allele origin: germline.
Comment: This sequence change replaces proline, which is neutral and non-polar, with leucine, which is neutral and non-polar, at codon 4 of the CD46 protein (p.Pro4Leu). In summary, the available evidence is currently insufficient to determine the role of this variant in disease. Therefore, it has been classified as a Variant of Uncertain Significance. Algorithms developed to predict the effect of missense changes on protein structure and function output the following: SIFT: "Tolerated"; PolyPhen-2: "Benign"; Align-GVGD: "Class C0". The leucine amino acid residue is found in multiple mammalian species, which suggests that this missense change does not adversely affect protein function. This variant has not been reported in the literature in individuals affected with CD46-related conditions. This variant is not present in population databases (gnomAD no frequency).